The following is an entry in ClinVar:

ClinVar aggregate classification (germline): Uncertain significance (1 of 4 stars; one submission).

Allele frequency attached by ClinVar (database versions not stated): gnomAD exomes below 0.00001.
gnomAD v4.1: 4 of 1,223,920 alleles (0.00033%); highest among the groups gnomAD compares: Non-Finnish European, 0.00041%; no homozygotes.

Submission:

Labcorp Genetics (formerly Invitae), Labcorp
Classification: Uncertain significance. Last evaluated: 2024-10-26. Review status: criteria provided, single submitter. Criteria: Invitae Variant Classification Sherloc (09022015). Collection method: clinical testing. Allele origin: germline.
Comment: This sequence change replaces alanine, which is neutral and non-polar, with threonine, which is neutral and polar, at codon 55 of the KIAA1549 protein (p.Ala55Thr). This variant is not present in population databases (gnomAD no frequency). This variant has not been reported in the literature in individuals affected with KIAA1549-related conditions. ClinVar contains an entry for this variant (Variation ID: 1468321). An algorithm developed to predict the effect of missense changes on protein structure and function outputs the following: PolyPhen-2: "Possibly Damaging". The threonine amino acid residue is found in multiple mammalian species, which suggests that this missense change does not adversely affect protein function. In summary, the available evidence is currently insufficient to determine the role of this variant in disease. Therefore, it has been classified as a Variant of Uncertain Significance.

NM_001164665.2(KIAA1549):c.163G>A (p.Ala55Thr)

Gene: KIAA1549 (KIAA1549; minus strand). Cytogenetic location: 7q34.
Variant type: single nucleotide variant.
Coding change: c.163G>A on transcript NM_001164665.2 (MANE Select); coding-DNA position 163, G replaced by A.
Protein change: p.Ala55Thr; replaces alanine 55 with threonine.
Molecular consequence: missense variant.
Genome position (GRCh38, 1-based): chr7:138,981,107, C>T on the plus strand (G>A on the coding strand, the complement: KIAA1549 is on the minus strand). VCF-style: chr7-138981107-C-T. GRCh37 (hg19) VCF-style: chr7-138665853-C-T.
Other names: c.163G>A, p.Ala55Thr (NM_020910.3); short protein forms A55T.
Identifiers: ClinVar variation 1468321 (VCV001468321.6), dbSNP rs1814533414, ClinGen allele CA369382184.